The following is an entry in ClinVar:

NM_201384.3(PLEC):c.3148G>C (p.Val1050Leu)

Gene: PLEC (plectin; minus strand). Cytogenetic location: 8q24.3.
Variant type: single nucleotide variant.
Coding change: c.3148G>C on transcript NM_201384.3 (MANE Select); coding-DNA position 3148, G replaced by C.
Protein change: p.Val1050Leu; replaces valine 1050 with leucine.
Molecular consequence: missense variant.
Genome position (GRCh38, 1-based): chr8:143,929,215, C>G on the plus strand (G>C on the coding strand, the complement: PLEC is on the minus strand). VCF-style: chr8-143929215-C-G. GRCh37 (hg19) VCF-style: chr8-145003383-C-G.
Other names: c.3082G>C, p.Val1028Leu (NM_201379.3); c.3559G>C, p.Val1187Leu (NM_201380.4); c.3052G>C, p.Val1018Leu (NM_201381.3); c.3148G>C, p.Val1050Leu (NM_201382.4); c.3160G>C, p.Val1054Leu (NM_201383.3); c.3229G>C, p.Val1077Leu (NM_000445.5); c.3106G>C, p.Val1036Leu (NM_201378.4); short protein forms V1187L, V1018L, V1077L, V1028L, V1036L, V1050L, V1054L.
Identifiers: ClinVar variation 1377320 (VCV001377320.6), dbSNP rs1554710451, ClinGen allele CA372568902.
Genomic context (GRCh38, chr8:143,929,215, plus strand): 5'-TCAGCTCCAGCTCCGAGCGCAGCGTGGGGGCCGCAGGCGATGGCTCTGGTAGGGCCAAGA[C>G]CTTCTCGGCCTCGGCAGAGAGCCGGGCGACCCCCTTGCCCAGCCCCTCCACCTCTGCCTG-3'
Protein context (NP_958786.1, residues 1040-1060): VARLSAEAEK[Val1050Leu]LALPEPSPAA

ClinVar aggregate classification (germline): Uncertain significance (1 of 4 stars; one submission).

Conditions:
Epidermolysis bullosa simplex 5B, with muscular dystrophy (EBS5B). Also called: Epidermolysis bullosa simplex with muscular dystrophy; EPIDERMOLYSIS BULLOSA SIMPLEX AND LIMB-GIRDLE MUSCULAR DYSTROPHY. Identifiers: Orphanet 257, MedGen C2931072, MONDO:0009181, OMIM 226670.
Epidermolysis bullosa simplex, Ogna type (EBS5A). Also called: Pidermolysis bullosa simplex 5A, Ogna type; EPIDERMOLYSIS BULLOSA SIMPLEX 5A, OGNA TYPE. Identifiers: Orphanet 79401, MedGen C0432317, MONDO:0007555, OMIM 131950.
Autosomal recessive limb-girdle muscular dystrophy type 2Q (LGMDR17). Also called: MUSCULAR DYSTROPHY, LIMB-GIRDLE, AUTOSOMAL RECESSIVE 17. Identifiers: Orphanet 254361, MedGen C3150989, MONDO:0013390, OMIM 613723.
Epidermolysis bullosa simplex with nail dystrophy (EBS5D). Identifiers: MedGen C4225309, MONDO:0014661, OMIM 616487.
Epidermolysis bullosa simplex 5C, with pyloric atresia (EBS5C). Also called: Epidermolysis bullosa simplex with pyloric atresia; PLEC-Related Epidermolysis Bullosa with Pyloric Atresia; PLEC1-Related Epidermolysis Bullosa with Pyloric Atresia. Identifiers: Orphanet 158684, MedGen C2677349, MONDO:0012807, OMIM 612138.

Submission:

Labcorp Genetics (formerly Invitae), Labcorp
Classification: Uncertain significance for Autosomal recessive limb-girdle muscular dystrophy type 2Q; Epidermolysis bullosa simplex, Ogna type; Epidermolysis bullosa simplex with nail dystrophy; Epidermolysis bullosa simplex 5C, with pyloric atresia; Epidermolysis bullosa simplex 5B, with muscular dystrophy. Last evaluated: 2022-07-05. Review status: criteria provided, single submitter. Criteria: Invitae Variant Classification Sherloc (09022015). Collection method: clinical testing. Allele origin: germline.
Comment: This variant is not present in population databases (gnomAD no frequency). This sequence change replaces valine, which is neutral and non-polar, with leucine, which is neutral and non-polar, at codon 1077 of the PLEC protein (p.Val1077Leu). This variant has not been reported in the literature in individuals affected with PLEC-related conditions. ClinVar contains an entry for this variant (Variation ID: 1377320). Algorithms developed to predict the effect of missense changes on protein structure and function are either unavailable or do not agree on the potential impact of this missense change (SIFT: "Deleterious"; PolyPhen-2: "Not Available"; Align-GVGD: "Class C0"). In summary, the available evidence is currently insufficient to determine the role of this variant in disease. Therefore, it has been classified as a Variant of Uncertain Significance.